The following is an entry in ClinVar:

ClinVar aggregate classification (germline): Conflicting classifications of pathogenicity. Review status: criteria provided, conflicting classifications (1 of 4 stars). 5 submissions from 5 submitters: Likely pathogenic (3); Uncertain significance (2). Last evaluated 2026-09-18.

Conditions:
Otospondylomegaepiphyseal dysplasia, autosomal dominant (OSMEDA). Also called: COL11A2-Related Stickler Syndrome; Pierre Robin syndrome with fetal chondrodysplasia; Stickler syndrome, type 3. Identifiers: Orphanet 166100, Orphanet 3450, MedGen C1848488, MONDO:0008490, OMIM 184840.

Allele frequency attached by ClinVar (database versions not stated): gnomAD exomes below 0.00001; TOPMed 0.00001.
gnomAD v4.1: 2 of 1,614,020 alleles (0.00012%); highest among the groups gnomAD compares: Middle Eastern, 0.016%; no homozygotes.

Submissions (5):

GeneDx
Classification: Uncertain significance. Last evaluated: 2026-09-18. Review status: criteria provided, single submitter. Criteria: GeneDx Variant Classification Process June 2021. Collection method: clinical testing. Allele origin: germline.
Comment: Not observed at significant frequency in large population cohorts (gnomAD); In silico analysis supports that this missense variant has a deleterious effect on protein structure/function; This variant is associated with the following publications: (PMID: 30156925)

CeGaT Center for Human Genetics Tuebingen
Classification: Likely pathogenic. Last evaluated: 2026-04-01. Review status: criteria provided, single submitter. Criteria: CeGaT Center For Human Genetics Tuebingen Variant Classification Criteria Version 2. Collection method: clinical testing. Allele origin: germline. Affected: yes. Observed: 5 variant alleles.
Comment: COL11A2: PM1:Strong, PS4:Moderate, PM2:Supporting, PP1, PP3

Women's Health and Genetics/Laboratory Corporation of America, LabCorp
Classification: Likely pathogenic for Otospondylomegaepiphyseal dysplasia, autosomal dominant. Last evaluated: 2026-03-05. Review status: criteria provided, single submitter. Criteria: LabCorp Variant Classification Summary - May 2015. Collection method: clinical testing. Allele origin: germline.
Comment: Variant summary: COL11A2 c.4438G>A (p.Gly1480Arg) results in a non-conservative amino acid change in the encoded protein sequence. Algorithms developed to predict the effect of missense changes on protein structure and function all suggest that this variant is likely to be disruptive. The variant allele was found at a frequency of 4e-06 in 249194 control chromosomes. The proband was also diagnosed with Stargardt disease and was a presumed compound heterozygote for two pathogenic variants in the ABCA4 gene. This data indicates that the COL11A2 variant is likely to be associated with disease. To our knowledge, no experimental evidence demonstrating an impact on protein function has been reported. The following publication has been ascertained in the context of this evaluation (PMID: 30156925). ClinVar contains an entry for this variant (Variation ID: 871716). Based on the evidence outlined above, the variant was classified as likely pathogenic for Otospondylomegaepiphyseal Dysplasia, Autosomal Dominant.

Labcorp Genetics (formerly Invitae), Labcorp
Classification: Uncertain significance. Last evaluated: 2025-10-16. Review status: criteria provided, single submitter. Criteria: Invitae Variant Classification Sherloc (09022015). Collection method: clinical testing. Allele origin: germline.
Comment: This sequence change replaces glycine, which is neutral and non-polar, with arginine, which is basic and polar, at codon 1480 of the COL11A2 protein (p.Gly1480Arg). This variant is not present in population databases (gnomAD no frequency). This variant has not been reported in the literature in individuals affected with COL11A2-related conditions. ClinVar contains an entry for this variant (Variation ID: 871716). Invitae Evidence Modeling of protein sequence and biophysical properties (such as structural, functional, and spatial information, amino acid conservation, physicochemical variation, residue mobility, and thermodynamic stability) indicates that this missense variant is expected to disrupt COL11A2 protein function with a positive predictive value of 95%. Algorithms developed to predict the effect of sequence changes on RNA splicing suggest that this variant may disrupt the consensus splice site. In summary, the available evidence is currently insufficient to determine the role of this variant in disease. Therefore, it has been classified as a Variant of Uncertain Significance.

Laboratory of Genetics, Children's Clinical University Hospital Latvia
Classification: Likely pathogenic. Last evaluated: 2025-02-16. Review status: criteria provided, single submitter. Criteria: ACMG Guidelines, 2015. Collection method: clinical testing. Allele origin: germline. Affected: yes.

Literature cited by the submitters: PubMed 30156925 (cited by Women's Health and Genetics/Laboratory Corporation of America, LabCorp).

NM_080680.3(COL11A2):c.4438G>A (p.Gly1480Arg)

Gene: COL11A2 (collagen type XI alpha 2 chain; minus strand). Cytogenetic location: 6p21.32.
Variant type: single nucleotide variant.
Coding change: c.4438G>A on transcript NM_080680.3 (MANE Select); coding-DNA position 4438, G replaced by A.
Protein change: p.Gly1480Arg; replaces glycine 1480 with arginine.
Molecular consequence: missense variant.
Genome position (GRCh38, 1-based): chr6:33,165,975, C>T on the plus strand (G>A on the coding strand, the complement: COL11A2 is on the minus strand). VCF-style: chr6-33165975-C-T. GRCh37 (hg19) VCF-style: chr6-33133752-C-T.
Other names: c.4438G>A (NM_080680.2); c.4117G>A, p.Gly1373Arg (NM_080679.3); c.4180G>A, p.Gly1394Arg (NM_080681.3); short protein forms G1480R, G1394R, G1373R.
Identifiers: ClinVar variation 871716 (VCV000871716.47), dbSNP rs1172866556, ClinGen allele CA363619619.